The following is an entry in ClinVar:

NM_001080467.3(MYO5B):c.1387C>T (p.Gln463Ter)

Gene: MYO5B (myosin VB; minus strand). Cytogenetic location: 18q21.1.
Variant type: single nucleotide variant.
Coding change: c.1387C>T on transcript NM_001080467.3 (MANE Select); coding-DNA position 1387, C replaced by T.
Protein change: p.Gln463Ter; replaces glutamine 463 with a stop codon.
Molecular consequence: nonsense.
Genome position (GRCh38, 1-based): chr18:49,962,966, G>A on the plus strand (C>T on the coding strand, the complement: MYO5B is on the minus strand). VCF-style: chr18-49962966-G-A. GRCh37 (hg19) VCF-style: chr18-47489336-G-A.
Other names: short protein forms Q463*.
Identifiers: ClinVar variation 3661908 (VCV003661908.2), dbSNP rs2025577400.

ClinVar aggregate classification (germline): Pathogenic (1 of 4 stars; one submission).

Submission:

Labcorp Genetics (formerly Invitae), Labcorp
Classification: Pathogenic. Last evaluated: 2024-10-21. Review status: criteria provided, single submitter. Criteria: Invitae Variant Classification Sherloc (09022015). Collection method: clinical testing. Allele origin: germline.
Comment: This sequence change creates a premature translational stop signal (p.Gln463*) in the MYO5B gene. It is expected to result in an absent or disrupted protein product. Loss-of-function variants in MYO5B are known to be pathogenic (PMID: 18724368, 20186687). This variant is not present in population databases (gnomAD no frequency). This variant has not been reported in the literature in individuals affected with MYO5B-related conditions. Algorithms developed to predict the effect of sequence changes on RNA splicing suggest that this variant may disrupt the consensus splice site. For these reasons, this variant has been classified as Pathogenic.

Literature cited by the submitters: PubMed 18724368; PubMed 20186687.